The following is an entry in ClinVar:

ClinVar aggregate classification (germline): Uncertain significance (1 of 4 stars; one submission).

Submission:

Labcorp Genetics (formerly Invitae), Labcorp
Classification: Uncertain significance. Last evaluated: 2022-05-03. Review status: criteria provided, single submitter. Criteria: Invitae Variant Classification Sherloc (09022015). Collection method: clinical testing. Allele origin: germline.
Comment: In summary, the available evidence is currently insufficient to determine the role of this variant in disease. Therefore, it has been classified as a Variant of Uncertain Significance. Algorithms developed to predict the effect of missense changes on protein structure and function are either unavailable or do not agree on the potential impact of this missense change (SIFT: "Deleterious"; PolyPhen-2: "Benign"; Align-GVGD: "Class C15"). This variant has not been reported in the literature in individuals affected with APOA4-related conditions. This variant is not present in population databases (gnomAD no frequency). This sequence change replaces glutamic acid, which is acidic and polar, with alanine, which is neutral and non-polar, at codon 360 of the APOA4 protein (p.Glu360Ala).

NM_000482.4(APOA4):c.1079A>C (p.Glu360Ala)

Gene: APOA4 (apolipoprotein A4; minus strand). Cytogenetic location: 11q23.3.
Variant type: single nucleotide variant.
Coding change: c.1079A>C on transcript NM_000482.4 (MANE Select); coding-DNA position 1079, A replaced by C.
Protein change: p.Glu360Ala; replaces glutamic acid 360 with alanine.
Molecular consequence: missense variant.
Genome position (GRCh38, 1-based): chr11:116,820,979, T>G on the plus strand (A>C on the coding strand, the complement: APOA4 is on the minus strand). VCF-style: chr11-116820979-T-G. GRCh37 (hg19) VCF-style: chr11-116691695-T-G.
Other names: short protein forms E360A.
Identifiers: ClinVar variation 2103188 (VCV002103188.4), dbSNP rs2540266622, ClinGen allele CA382699049.